The following is an entry in ClinVar:

NM_001136035.4(TRMT1):c.460C>G (p.Leu154Val)

Gene: TRMT1 (tRNA methyltransferase 1; minus strand). Cytogenetic location: 19p13.13.
Variant type: single nucleotide variant.
Coding change: c.460C>G on transcript NM_001136035.4 (MANE Select); coding-DNA position 460, C replaced by G.
Protein change: p.Leu154Val; replaces leucine 154 with valine.
Molecular consequence: missense variant. On other transcripts: 5 prime UTR variant (1).
Genome position (GRCh38, 1-based): chr19:13,115,460, G>C on the plus strand (C>G on the coding strand, the complement: TRMT1 is on the minus strand). VCF-style: chr19-13115460-G-C. GRCh37 (hg19) VCF-style: chr19-13226274-G-C.
Other names: c.460C>G, p.Leu154Val (NM_001142554.3, NM_001351760.2, NM_017722.5); c.352C>G, p.Leu118Val (NM_001351761.2); c.-311C>G (NM_001351762.2); short protein forms L118V, L154V.
Identifiers: ClinVar variation 3602329 (VCV003602329.1).

ClinVar aggregate classification (germline): Uncertain significance (1 of 4 stars; one submission).

Submission:

GeneDx
Classification: Uncertain significance. Last evaluated: 2024-07-31. Review status: criteria provided, single submitter. Criteria: GeneDx Variant Classification Process June 2021. Collection method: clinical testing. Allele origin: germline. Affected: yes.
Comment: Not observed at significant frequency in large population cohorts (gnomAD); In silico analysis indicates that this missense variant does not alter protein structure/function; Has not been previously published as pathogenic or benign to our knowledge